The following is an entry in ClinVar:

ClinVar aggregate classification (germline): Pathogenic (1 of 4 stars; one submission).

Conditions:
Hereditary nonpolyposis colorectal neoplasms. Identifiers: MedGen C0009405, MeSH D003123.

Submission:

Labcorp Genetics (formerly Invitae), Labcorp
Classification: Pathogenic for Hereditary nonpolyposis colorectal neoplasms. Last evaluated: 2024-06-30. Review status: criteria provided, single submitter. Criteria: Invitae Variant Classification Sherloc (09022015). Collection method: clinical testing. Allele origin: germline.
Comment: This sequence change creates a premature translational stop signal (p.Ile745Thrfs*3) in the PMS2 gene. It is expected to result in an absent or disrupted protein product. Loss-of-function variants in PMS2 are known to be pathogenic (PMID: 21376568, 24362816). The frequency data for this variant in the population databases (gnomAD) is considered unreliable due to the presence of homologous sequence, such as pseudogenes or paralogs, in the genome. This variant has not been reported in the literature in individuals affected with PMS2-related conditions. For these reasons, this variant has been classified as Pathogenic.

Literature cited by the submitters: PubMed 21376568; PubMed 24362816.

NM_000535.7(PMS2):c.2233_2234insC (p.Ile745fs)

Gene: PMS2 (PMS1 homolog 2, mismatch repair system component; minus strand). Cytogenetic location: 7p22.1.
Variant type: Insertion.
Coding change: c.2233_2234insC on transcript NM_000535.7 (MANE Select); coding-DNA positions 2233 to 2234, C inserted.
Protein change: p.Ile745fs; shifts the reading frame from isoleucine 745.
Molecular consequence: frameshift variant. On other transcripts: non-coding transcript variant (1), intron variant (2).
Genome position: GRCh38 VCF-style: chr7-5978637-A-AG. GRCh37 (hg19) VCF-style: chr7-6018268-A-AG.
Other names: c.1660_1661insC, p.Ile554fs (NM_001322013.2, NM_001406909.1, NM_001406908.1); c.2233_2234insC, p.Ile745fs (NM_001322014.2); c.1924_1925insC, p.Ile642fs (NM_001322015.2, NM_001406875.1, NM_001406877.1 and 5 more transcripts); c.2419_2420insC, p.Ile807fs (NM_001406866.1); c.2257_2258insC, p.Ile753fs (NM_001406868.1); c.2125_2126insC, p.Ile709fs (NM_001406869.1); c.2077_2078insC, p.Ile693fs (NM_001406870.1, NM_001322006.2); c.2065_2066insC, p.Ile689fs (NM_001406872.1, NM_001406874.1); and 16 more; short protein forms I583fs, I679fs, I344fs, I434fs, I574fs, I587fs, I610fs, I637fs.
Identifiers: ClinVar variation 3658257 (VCV003658257.2).
Genomic context (GRCh38, chr7:5,978,637, plus strand): 5'-GTTCTAATTAATAACTTACCATTTTCATCGATAACAAAATCAAAGCCATTCTTTCTAAAT[A>AG]TTTCCAGATTTTCTATCAGAACAGCTTCATTAACAGCAGTTAAGTTGAGAGTCTGAGGTC-3'